The following is an entry in ClinVar:

NM_001134363.3(RBM20):c.2731G>A (p.Val911Met)

Gene: RBM20 (RNA binding motif protein 20; plus strand). Cytogenetic location: 10q25.2.
Variant type: single nucleotide variant.
Coding change: c.2731G>A on transcript NM_001134363.3 (MANE Select); coding-DNA position 2731, G replaced by A.
Protein change: p.Val911Met; replaces valine 911 with methionine.
Molecular consequence: missense variant.
Genome position (GRCh38, 1-based): chr10:110,821,350, G>A. VCF-style: chr10-110821350-G-A. GRCh37 (hg19) VCF-style: chr10-112581108-G-A.
Other names: c.2731G>A (NM_001134363.1); short protein forms V911M.
Identifiers: ClinVar variation 1328078 (VCV001328078.4), dbSNP rs1590701521, ClinGen allele CA378377338.

ClinVar aggregate classification (germline): Uncertain significance. Review status: criteria provided, single submitter (1 of 4 stars). 3 submissions from 3 submitters: Uncertain significance (1). 2 of the submissions do not count toward it. Last evaluated 2023-11-02.

Conditions:
Cardiovascular phenotype. Identifiers: MedGen CN230736.

Submissions (3):

Ambry Genetics
Classification: Uncertain significance for Cardiovascular phenotype. Last evaluated: 2023-11-02. Review status: criteria provided, single submitter. Criteria: Ambry Variant Classification Scheme 2023. Collection method: clinical testing. Allele origin: germline.
Comment: The p.V911M variant (also known as c.2731G>A), located in coding exon 11 of the RBM20 gene, results from a G to A substitution at nucleotide position 2731. The valine at codon 911 is replaced by methionine, an amino acid with highly similar properties. This amino acid position is conserved. In addition, the in silico prediction for this alteration is inconclusive. Since supporting evidence is limited at this time, the clinical significance of this alteration remains unclear.

Clinical Genetics DNA and cytogenetics Diagnostics Lab, Erasmus MC, Erasmus Medical Center
Classification: Uncertain significance. Review status: no assertion criteria provided. Collection method: clinical testing. Allele origin: germline. Affected: yes. Study: VKGL Data-share Consensus. Not counted in ClinVar's aggregate classification.

Clinical Genetics, Academic Medical Center
Classification: Uncertain significance. Review status: no assertion criteria provided. Collection method: clinical testing. Allele origin: germline. Affected: yes. Study: VKGL Data-share Consensus. Not counted in ClinVar's aggregate classification.